The following is an entry in ClinVar:

NM_002693.3(POLG):c.855+19A>G

Gene: POLG (DNA polymerase gamma, catalytic subunit; minus strand). Cytogenetic location: 15q26.1.
Variant type: single nucleotide variant.
Coding change: c.855+19A>G on transcript NM_002693.3 (MANE Select); 19 bases into the intron after coding-DNA position 855, A replaced by G.
Molecular consequence: intron variant.
Genome position (GRCh38, 1-based): chr15:89,330,062, T>C on the plus strand (A>G on the coding strand, the complement: POLG is on the minus strand). VCF-style: chr15-89330062-T-C. GRCh37 (hg19) VCF-style: chr15-89873293-T-C.
Other names: c.855+19A>G (NM_001126131.2).
Identifiers: ClinVar variation 619487 (VCV000619487.10), dbSNP rs888039212, ClinGen allele CA10602328.
Genomic context (GRCh38, chr15:89,330,062, plus strand): 5'-AGTACCTCCCCTAACCACTGAGATTAGGGCTCCTGGCCCATCCCATGCCAGAACCTGCAG[T>C]TGGCCCCAGGAACCTTACCTGGATCAGGTACTGCTCCCTGATATGAGCTCGGTCAAAGGA-3'

ClinVar aggregate classification (germline): Likely benign. Review status: criteria provided, multiple submitters, no conflicts (2 of 4 stars). 3 submissions from 3 submitters: Likely benign (3). Last evaluated 2025-08-29.

Conditions:
Progressive sclerosing poliodystrophy (MTDPS4A). Also called: Alpers Syndrome; Mitochondrial DNA depletion syndrome 4A (Alpers type); Mitochondrial DNA Depletion Syndrome 4A; Alpers-Huttenlocher Syndrome (AHS); ALPERS PROGRESSIVE INFANTILE POLIODYSTROPHY; ALPERS DIFFUSE DEGENERATION OF CEREBRAL GRAY MATTER WITH HEPATIC CIRRHOSIS. Identifiers: Orphanet 726, MedGen C0205710, MONDO:0008758, OMIM 203700.

Allele frequency attached by ClinVar (database versions not stated): gnomAD 0.00001; TOPMed 0.00002.

Submissions (3):

Labcorp Genetics (formerly Invitae), Labcorp
Classification: Likely benign for Progressive sclerosing poliodystrophy. Last evaluated: 2025-08-29. Review status: criteria provided, single submitter. Criteria: Invitae Variant Classification Sherloc (09022015). Collection method: clinical testing. Allele origin: germline.

Blueprint Genetics
Classification: Likely benign. Last evaluated: 2024-11-18. Review status: criteria provided, single submitter. Criteria: ACMG Guidelines, 2015. Collection method: clinical testing. Allele origin: germline.

Wong Mito Lab, Molecular and Human Genetics, Baylor College of Medicine
Classification: Likely benign for Progressive sclerosing poliodystrophy. Last evaluated: 2018-10-01. Review status: criteria provided, single submitter. Criteria: ACMG Guidelines, 2015. Collection method: clinical testing. Allele origin: germline.
Comment: The NM_002693.2:c.855+19A>G (NP_002684.1:p.=) [GRCH38: NC_000015.10:g.89330062T>C] variant in POLG gene is interpretated to be a Likely Benign based on ACMG guidelines (PMID: 25741868). This variant meets the following evidence codes reported in the ACMG-guideline. BP4:Computational evidence/predictors indicate no impact on the POLG structure, function, or protein-protein interaction. BP6:Reputable source(s) without shared data suggest the variant is benign. Based on the evidence criteria codes applied, the variant is suggested to be Likely Benign.